The following is an entry in ClinVar:

ClinVar aggregate classification (germline): Uncertain significance (1 of 4 stars; one submission).

gnomAD v4.1: 1 of 1,613,732 alleles (0.000062%); highest among the groups gnomAD compares: Non-Finnish European, 0.000085%; no homozygotes.

Submission:

GeneDx
Classification: Uncertain significance. Last evaluated: 2025-04-03. Review status: criteria provided, single submitter. Criteria: GeneDx Variant Classification Process June 2021. Collection method: clinical testing. Allele origin: germline. Affected: yes.
Comment: Not observed at significant frequency in large population cohorts (gnomAD); In silico analysis indicates that this missense variant does not alter protein structure/function; Has not been previously published as pathogenic or benign to our knowledge

NM_003482.4(KMT2D):c.11039A>G (p.Gln3680Arg)

Gene: KMT2D (lysine methyltransferase 2D; minus strand). Cytogenetic location: 12q13.12.
Variant type: single nucleotide variant.
Coding change: c.11039A>G on transcript NM_003482.4 (MANE Select); coding-DNA position 11039, A replaced by G.
Protein change: p.Gln3680Arg; replaces glutamine 3680 with arginine.
Molecular consequence: missense variant.
Genome position (GRCh38, 1-based): chr12:49,033,666, T>C on the plus strand (A>G on the coding strand, the complement: KMT2D is on the minus strand). VCF-style: chr12-49033666-T-C. GRCh37 (hg19) VCF-style: chr12-49427449-T-C.
Other names: short protein forms Q3680R.
Identifiers: ClinVar variation 4278508 (VCV004278508.1).